The following is an entry in ClinVar:

ClinVar aggregate classification (germline): Uncertain significance. Review status: criteria provided, multiple submitters, no conflicts (2 of 4 stars). 2 submissions from 2 submitters: Uncertain significance (2). Last evaluated 2025-10-24.

Conditions:
Inborn genetic diseases. Identifiers: MedGen C0950123, MeSH D030342.

Allele frequency attached by ClinVar (database versions not stated): gnomAD 0.00004; gnomAD exomes 0.00004 and 0.00005; TOPMed 0.00006; ExAC 0.00007.
gnomAD v4.1: 66 of 1,613,684 alleles (0.0041%); highest among the groups gnomAD compares: Non-Finnish European, 0.005%; no homozygotes.

Submissions (2):

Ambry Genetics
Classification: Uncertain significance for Inborn genetic diseases. Last evaluated: 2025-10-24. Review status: criteria provided, single submitter. Criteria: Ambry Variant Classification Scheme 2023. Collection method: clinical testing. Allele origin: germline.

Labcorp Genetics (formerly Invitae), Labcorp
Classification: Uncertain significance. Last evaluated: 2021-08-24. Review status: criteria provided, single submitter. Criteria: Invitae Variant Classification Sherloc (09022015). Collection method: clinical testing. Allele origin: germline.
Comment: This sequence change replaces glycine with arginine at codon 567 of the SLC34A1 protein (p.Gly567Arg). The glycine residue is moderately conserved and there is a moderate physicochemical difference between glycine and arginine. This variant is present in population databases (rs761460000, ExAC 0.01%). This variant has not been reported in the literature in individuals affected with SLC34A1-related conditions. Algorithms developed to predict the effect of missense changes on protein structure and function output the following: SIFT: "Tolerated"; PolyPhen-2: "Benign"; Align-GVGD: "Class C0". The arginine amino acid residue is found in multiple mammalian species, which suggests that this missense change does not adversely affect protein function. In summary, the available evidence is currently insufficient to determine the role of this variant in disease. Therefore, it has been classified as a Variant of Uncertain Significance.

NM_003052.5(SLC34A1):c.1699G>A (p.Gly567Arg)

Gene: SLC34A1 (solute carrier family 34 member 1; plus strand). Cytogenetic location: 5q35.3.
Variant type: single nucleotide variant.
Coding change: c.1699G>A on transcript NM_003052.5 (MANE Select); coding-DNA position 1699, G replaced by A.
Protein change: p.Gly567Arg; replaces glycine 567 with arginine.
Molecular consequence: missense variant.
Genome position (GRCh38, 1-based): chr5:177,398,065, G>A. VCF-style: chr5-177398065-G-A. GRCh37 (hg19) VCF-style: chr5-176825066-G-A.
Other names: c.1699G>A (NM_003052.4); short protein forms G567R.
Identifiers: ClinVar variation 1400667 (VCV001400667.6), dbSNP rs761460000, ClinGen allele CA3580864.